The following is an entry in ClinVar:

ClinVar aggregate classification (germline): Uncertain significance. Review status: criteria provided, multiple submitters, no conflicts (2 of 4 stars). 3 submissions from 3 submitters: Uncertain significance (3). Last evaluated 2025-09-02.

Conditions:
Hyperphosphatasemia with bone disease (PDB5). Also called: PAGET DISEASE OF BONE 5, JUVENILE-ONSET; Paget disease of bone 5; HYPEROSTOSIS CORTICALIS DEFORMANS JUVENILIS; HYPERPHOSPHATASEMIA, CHRONIC CONGENITAL IDIOPATHIC; HYPERPHOSPHATASIA, FAMILIAL IDIOPATHIC; Osteoectasia familial. Identifiers: Orphanet 2801, MedGen C0268414, MONDO:0009394, OMIM 239000.
Inborn genetic diseases. Identifiers: MedGen C0950123, MeSH D030342.

Allele frequency attached by ClinVar (database versions not stated): ExAC 0.00003; gnomAD exomes 0.00004 and 0.00006; gnomAD 0.00007; TOPMed 0.00012; ESP Exome Variant Server 0.00015.
gnomAD v4.1: 93 of 1,614,070 alleles (0.0058%); highest among the groups gnomAD compares: African/African-American, 0.016%; no homozygotes.

Submissions (3):

Labcorp Genetics (formerly Invitae), Labcorp
Classification: Uncertain significance. Last evaluated: 2025-09-02. Review status: criteria provided, single submitter. Criteria: Invitae Variant Classification Sherloc (09022015). Collection method: clinical testing. Allele origin: germline.
Comment: This sequence change replaces valine, which is neutral and non-polar, with isoleucine, which is neutral and non-polar, at codon 93 of the TNFRSF11B protein (p.Val93Ile). This variant is present in population databases (rs369646136, gnomAD 0.02%). This variant has not been reported in the literature in individuals affected with TNFRSF11B-related conditions. ClinVar contains an entry for this variant (Variation ID: 910165). Invitae Evidence Modeling of protein sequence and biophysical properties (such as structural, functional, and spatial information, amino acid conservation, physicochemical variation, residue mobility, and thermodynamic stability) indicates that this missense variant is not expected to disrupt TNFRSF11B protein function with a negative predictive value of 80%. In summary, the available evidence is currently insufficient to determine the role of this variant in disease. Therefore, it has been classified as a Variant of Uncertain Significance.

Ambry Genetics
Classification: Uncertain significance for Inborn genetic diseases. Last evaluated: 2024-04-15. Review status: criteria provided, single submitter. Criteria: Ambry Variant Classification Scheme 2023. Collection method: clinical testing. Allele origin: germline.

Illumina Laboratory Services, Illumina
Classification: Uncertain significance for Hyperphosphatasemia with bone disease. Last evaluated: 2018-01-13. Review status: criteria provided, single submitter. Criteria: ICSL Variant Classification Criteria 13 December 2019. Collection method: clinical testing. Allele origin: germline.

NM_002546.4(TNFRSF11B):c.277G>A (p.Val93Ile)

Gene: TNFRSF11B (TNF receptor superfamily member 11b; minus strand). Cytogenetic location: 8q24.12.
Variant type: single nucleotide variant.
Coding change: c.277G>A on transcript NM_002546.4 (MANE Select); coding-DNA position 277, G replaced by A.
Protein change: p.Val93Ile; replaces valine 93 with isoleucine.
Molecular consequence: missense variant.
Genome position (GRCh38, 1-based): chr8:118,933,054, C>T on the plus strand (G>A on the coding strand, the complement: TNFRSF11B is on the minus strand). VCF-style: chr8-118933054-C-T. GRCh37 (hg19) VCF-style: chr8-119945293-C-T.
Other names: short protein forms V93I.
Identifiers: ClinVar variation 910165 (VCV000910165.12), dbSNP rs369646136, ClinGen allele CA4854959.